The following is an entry in ClinVar:

ClinVar aggregate classification (germline): Uncertain significance (1 of 4 stars; one submission).

gnomAD v4.1: 17 of 1,613,584 alleles (0.0011%); highest among the groups gnomAD compares: South Asian, 0.0044%; no homozygotes.

Submission:

Labcorp Genetics (formerly Invitae), Labcorp
Classification: Uncertain significance. Last evaluated: 2025-12-10. Review status: criteria provided, single submitter. Criteria: Invitae Variant Classification Sherloc (09022015). Collection method: clinical testing. Allele origin: germline.
Comment: This sequence change replaces alanine, which is neutral and non-polar, with threonine, which is neutral and polar, at codon 281 of the HTRA1 protein (p.Ala281Thr). This variant is present in population databases (rs774542219, gnomAD 0.006%). This variant has not been reported in the literature in individuals affected with HTRA1-related conditions. Invitae Evidence Modeling of protein sequence and biophysical properties (such as structural, functional, and spatial information, amino acid conservation, physicochemical variation, residue mobility, and thermodynamic stability) has been performed for this missense variant. However, the output from this modeling did not meet the statistical confidence thresholds required to predict the impact of this variant on HTRA1 protein function. In summary, the available evidence is currently insufficient to determine the role of this variant in disease. Therefore, it has been classified as a Variant of Uncertain Significance.

NM_002775.5(HTRA1):c.841G>A (p.Ala281Thr)

Gene: HTRA1 (HtrA serine peptidase 1; plus strand). Cytogenetic location: 10q26.13.
Variant type: single nucleotide variant.
Coding change: c.841G>A on transcript NM_002775.5 (MANE Select); coding-DNA position 841, G replaced by A.
Protein change: p.Ala281Thr; replaces alanine 281 with threonine.
Molecular consequence: missense variant.
Genome position (GRCh38, 1-based): chr10:122,506,754, G>A. VCF-style: chr10-122506754-G-A. GRCh37 (hg19) VCF-style: chr10-124266270-G-A.
Other names: short protein forms A281T.
Identifiers: ClinVar variation 4690534 (VCV004690534.1).